The following is an entry in ClinVar:

ClinVar aggregate classification (germline): Pathogenic/Likely pathogenic. Review status: criteria provided, multiple submitters, no conflicts (2 of 4 stars). 3 submissions from 3 submitters: Pathogenic (1); Likely pathogenic (1). 1 of the submissions does not count toward it. Last evaluated 2025-09-18.

Conditions:
Polycystic kidney disease 4 (PKD4). Also called: POLYCYSTIC KIDNEY DISEASE 4 WITH OR WITHOUT POLYCYSTIC LIVER DISEASE; POLYCYSTIC KIDNEY AND HEPATIC DISEASE 1; POLYCYSTIC KIDNEY DISEASE, INFANTILE, TYPE I; PKD3; Autosomal Recessive Polycystic Kidney Disease – PKHD1. Identifiers: MedGen C4540575, MONDO:0033004, OMIM 263200.
Autosomal recessive polycystic kidney disease (ARPKD). Also called: AR polycystic kidney disease. Identifiers: Orphanet 731, Orphanet 8378, MedGen C0085548, MeSH D017044, MONDO:0009889.

Submissions (3):

Natera, Inc.
Classification: Likely pathogenic for Autosomal recessive polycystic kidney disease. Last evaluated: 2025-09-18. Review status: criteria provided, single submitter. Criteria: Natera Variant Classification Schema (03/2026). Collection method: clinical testing. Allele origin: germline.
Comment: The c.10893_10894del variant in PKHD1 is a frameshift variant predicted to shift the reading frame and introduce a stop codon. This variant is expected to result in nonsense mediated decay, truncation, or a dysfunctional protein product. This variant is rare in the general population with a frequency below the threshold expected for the associated phenotype(s). Given the available evidence, this variant is classified as Likely Pathogenic.

Labcorp Genetics (formerly Invitae), Labcorp
Classification: Pathogenic for Autosomal recessive polycystic kidney disease. Last evaluated: 2022-05-28. Review status: criteria provided, single submitter. Criteria: Invitae Variant Classification Sherloc (09022015). Collection method: clinical testing. Allele origin: germline.
Comment: This sequence change creates a premature translational stop signal (p.Tyr3631*) in the PKHD1 gene. It is expected to result in an absent or disrupted protein product. Loss-of-function variants in PKHD1 are known to be pathogenic (PMID: 19940839). This variant is not present in population databases (gnomAD no frequency). This variant has not been reported in the literature in individuals affected with PKHD1-related conditions. ClinVar contains an entry for this variant (Variation ID: 558349). For these reasons, this variant has been classified as Pathogenic.

Counsyl
Classification: Likely pathogenic for Polycystic kidney disease 4. Last evaluated: 2018-05-15. Review status: no assertion criteria provided. Collection method: clinical testing. Allele origin: unknown. Not counted in ClinVar's aggregate classification.

Literature cited by the submitters: PubMed 19940839 (cited by Labcorp Genetics (formerly Invitae), Labcorp).

NM_138694.4(PKHD1):c.10893_10894del (p.Tyr3631_Arg3632delinsTer)

Gene: PKHD1 (PKHD1 ciliary IPT domain containing fibrocystin/polyductin; minus strand). Cytogenetic location: 6p12.3.
Variant type: Microsatellite.
Coding change: c.10893_10894del on transcript NM_138694.4 (MANE Select); coding-DNA positions 10893 to 10894, 2 bases deleted (TA; older notation c.10893_10894delTA).
Protein change: p.Tyr3631_Arg3632delinsTer.
Molecular consequence: nonsense.
Genome position (GRCh38, 1-based): chr6:51,659,232-51,659,233, TA deleted on the plus strand (TA on the coding strand, the reverse complement: PKHD1 is on the minus strand); deleting any 2 consecutive bases within chr6:51,659,232-51,659,235 gives the same sequence; the c. name uses the placement nearest the transcript's 3' end. VCF-style (leftmost placement, unchanged base first): chr6-51659231-CTA-C. GRCh37 (hg19) VCF-style: chr6-51524029-CTA-C.
Other names: c.10893_10894delTA (NM_138694.3); c.10893_10894del (NM_138694.3).
Identifiers: ClinVar variation 558349 (VCV000558349.8), dbSNP rs1554183204, ClinGen allele CA658821696.